The following is an entry in ClinVar:

NM_002576.5(PAK1):c.373C>G (p.Leu125Val)

Gene: PAK1 (p21 (RAC1) activated kinase 1; minus strand). Cytogenetic location: 11q13.5.
Variant type: single nucleotide variant.
Coding change: c.373C>G on transcript NM_002576.5 (MANE Select); coding-DNA position 373, C replaced by G.
Protein change: p.Leu125Val; replaces leucine 125 with valine.
Molecular consequence: missense variant. On other transcripts: non-coding transcript variant (2), intron variant (1).
Genome position (GRCh38, 1-based): chr11:77,379,307, G>C on the plus strand (C>G on the coding strand, the complement: PAK1 is on the minus strand). VCF-style: chr11-77379307-G-C. GRCh37 (hg19) VCF-style: chr11-77090352-G-C.
Other names: c.191-4942C>G (NM_001376301.1); c.373C>G, p.Leu125Val (NM_001376290.1, NM_001376291.1, NM_001376292.1 and 26 more transcripts); c.79C>G, p.Leu27Val (NM_001376302.1, NM_001376304.1, NM_001376305.1); c.394C>G, p.Leu132Val (NM_001376272.1); short protein forms L125V, L132V, L27V.
Identifiers: ClinVar variation 5020336 (VCV005020336.1).

ClinVar aggregate classification (germline): Uncertain significance (1 of 4 stars; one submission).

Submission:

Dasa
Classification: Uncertain significance. Last evaluated: 2026-06-19. Review status: criteria provided, single submitter. Criteria: DASA Assertion Criteria. Collection method: clinical testing. Allele origin: germline.
Comment: NM_002576.5(PAK1):c.373C>G (p.Leu125Val) is a missense variant that results in the substitution of leucine with valine. This variant is rare in population databases. Computational prediction algorithms are consistent with a deleterious effect. The currently available literature and clinical evidence are not sufficient to establish a definitive association between this variant and the reported condition. Therefore, this variant is classified as a variant of uncertain significance.